The following is an entry in ClinVar:

NM_020937.4(FANCM):c.4061G>A (p.Arg1354Lys)

Gene: FANCM (FA complementation group M; plus strand). Cytogenetic location: 14q21.2.
Variant type: single nucleotide variant.
Coding change: c.4061G>A on transcript NM_020937.4 (MANE Select); coding-DNA position 4061, G replaced by A.
Protein change: p.Arg1354Lys; replaces arginine 1354 with lysine.
Molecular consequence: missense variant.
Genome position (GRCh38, 1-based): chr14:45,176,815, G>A. VCF-style: chr14-45176815-G-A. GRCh37 (hg19) VCF-style: chr14-45646018-G-A.
Other names: c.4061G>A (NM_020937.3); c.3983G>A, p.Arg1328Lys (NM_001308133.2); short protein forms R1328K, R1354K.
Identifiers: ClinVar variation 1311714 (VCV001311714.9), dbSNP rs1302733474, ClinGen allele CA389604134.

ClinVar aggregate classification (germline): Uncertain significance. Review status: criteria provided, multiple submitters, no conflicts (2 of 4 stars). 4 submissions from 4 submitters: Uncertain significance (4). Last evaluated 2025-04-15.

Conditions:
Spermatogenic failure 28. Identifiers: MedGen C4748117, MONDO:0054732, OMIM 618086.
Premature ovarian failure 15. Identifiers: MedGen C4748170, MONDO:0054862, OMIM 618096.
Fanconi anemia (FA). Also called: Fanconi's anemia. Identifiers: Orphanet 84, MedGen C0015625, MeSH D005199, MONDO:0019391.
FANCM-related disorder. Also called: FANCM-related condition.

Allele frequency attached by ClinVar (database versions not stated): gnomAD exomes below 0.00001; TOPMed below 0.00001.
gnomAD v4.1: 1 of 1,606,576 alleles (0.000062%); highest among the groups gnomAD compares: Admixed American, 0.0017%; no homozygotes.

Submissions (4):

GeneDx
Classification: Uncertain significance. Last evaluated: 2025-04-15. Review status: criteria provided, single submitter. Criteria: GeneDx Variant Classification Process June 2021. Collection method: clinical testing. Allele origin: germline. Affected: yes.
Comment: Not observed at significant frequency in large population cohorts (gnomAD); In silico analysis indicates that this missense variant does not alter protein structure/function; Has not been previously published as pathogenic or benign to our knowledge

PreventionGenetics, part of Exact Sciences
Classification: Uncertain significance for FANCM-related condition. Last evaluated: 2024-12-27. Review status: criteria provided, single submitter. Criteria: ACMG Guidelines, 2015. Collection method: clinical testing. Allele origin: germline.
Comment: The FANCM c.4061G>A variant is predicted to result in the amino acid substitution p.Arg1354Lys. To our knowledge, this variant has not been reported in the literature. This variant is reported in 0.0030% of alleles in individuals of Latino descent in gnomAD. At this time, the clinical significance of this variant is uncertain due to the absence of conclusive functional and genetic evidence.

Labcorp Genetics (formerly Invitae), Labcorp
Classification: Uncertain significance for Fanconi anemia. Last evaluated: 2023-09-05. Review status: criteria provided, single submitter. Criteria: Invitae Variant Classification Sherloc (09022015). Collection method: clinical testing. Allele origin: germline.
Comment: This sequence change replaces arginine, which is basic and polar, with lysine, which is basic and polar, at codon 1354 of the FANCM protein (p.Arg1354Lys). This variant is present in population databases (no rsID available, gnomAD 0.003%). This variant has not been reported in the literature in individuals affected with FANCM-related conditions. ClinVar contains an entry for this variant (Variation ID: 1311714). Algorithms developed to predict the effect of missense changes on protein structure and function output the following: SIFT: "Not Available"; PolyPhen-2: "Benign"; Align-GVGD: "Not Available". The lysine amino acid residue is found in multiple mammalian species, which suggests that this missense change does not adversely affect protein function. In summary, the available evidence is currently insufficient to determine the role of this variant in disease. Therefore, it has been classified as a Variant of Uncertain Significance.

Fulgent Genetics
Classification: Uncertain significance for Spermatogenic failure 28; Premature ovarian failure 15. Last evaluated: 2022-03-31. Review status: criteria provided, single submitter. Criteria: ACMG Guidelines, 2015. Collection method: clinical testing. Allele origin: unknown.